The following is an entry in ClinVar:

ClinVar aggregate classification (germline): Likely benign. Review status: criteria provided, single submitter (1 of 4 stars). 2 submissions from 2 submitters: Likely benign (1). 1 of the submissions does not count toward it. Last evaluated 2022-10-09.

Conditions:
NFATC1-related disorder. Also called: NFATC1-related condition.

Allele frequency attached by ClinVar (database versions not stated): gnomAD exomes 0.00003; ExAC 0.00005; ESP Exome Variant Server 0.00008; gnomAD 0.00009; TOPMed 0.00012.
gnomAD v4.1: 53 of 1,610,420 alleles (0.0033%); highest among the groups gnomAD compares: African/African-American, 0.031%; no homozygotes.

Submissions (2):

Labcorp Genetics (formerly Invitae), Labcorp
Classification: Likely benign. Last evaluated: 2022-10-09. Review status: criteria provided, single submitter. Criteria: Invitae Variant Classification Sherloc (09022015). Collection method: clinical testing. Allele origin: germline.

PreventionGenetics, part of Exact Sciences
Classification: Likely benign for NFATC1-related condition. Last evaluated: 2019-05-16. Review status: no assertion criteria provided. Collection method: clinical testing. Allele origin: germline. Not counted in ClinVar's aggregate classification.
Comment: This variant is classified as likely benign based on ACMG/AMP sequence variant interpretation guidelines (Richards et al. 2015 PMID: 25741868, with internal and published modifications).

NM_001278669.2(NFATC1):c.2307C>T (p.His769=)

Gene: NFATC1 (nuclear factor of activated T cells 1; plus strand). Cytogenetic location: 18q23.
Variant type: single nucleotide variant.
Coding change: c.2307C>T on transcript NM_001278669.2 (MANE Select); coding-DNA position 2307, C replaced by T.
Protein change: p.His769=; no amino-acid change (histidine 769 retained).
Molecular consequence: synonymous variant. On other transcripts: intron variant (2).
Genome position (GRCh38, 1-based): chr18:79,486,462, C>T. VCF-style: chr18-79486462-C-T. GRCh37 (hg19) VCF-style: chr18-77246462-C-T.
Other names: c.2307C>T (NM_001278669.1); c.891C>T, p.His297= (NM_001278673.2, NM_172388.3); c.2307C>T, p.His769= (NM_006162.5); c.2268C>T, p.His756= (NM_172387.3, NM_172389.3); c.2092+18880C>T (NM_001278670.2); c.2053+18880C>T (NM_001278672.2).
Identifiers: ClinVar variation 2154755 (VCV002154755.6), dbSNP rs369946128, ClinGen allele CA9009588.
Genomic context (GRCh38, chr18:79,486,462, plus strand): 5'-GCCCTGTCCGCAGAGAAGCACCCTGATGCCAGCGGCCCCTGGCGTGAGCCCCAAGCTCCA[C>T]GACCTTTCTCCCGCTGCCTACACCAAGGGCGTTGCCAGCCCGGGCCACTGTCACCTCGGA-3'
Protein context (NP_001265598.1, residues 759-779): PAAPGVSPKL[His769=]DLSPAAYTKG